The following is an entry in ClinVar:

NM_006017.3(PROM1):c.442A>T (p.Lys148Ter)

Gene: PROM1 (prominin 1; minus strand). Cytogenetic location: 4p15.32.
Variant type: single nucleotide variant.
Coding change: c.442A>T on transcript NM_006017.3 (MANE Select); coding-DNA position 442, A replaced by T.
Protein change: p.Lys148Ter; replaces lysine 148 with a stop codon.
Molecular consequence: nonsense.
Genome position (GRCh38, 1-based): chr4:16,033,371, T>A on the plus strand (A>T on the coding strand, the complement: PROM1 is on the minus strand). VCF-style: chr4-16033371-T-A. GRCh37 (hg19) VCF-style: chr4-16034994-T-A.
Other names: c.415A>T, p.Lys139Ter (NM_001145847.2, NM_001145848.2, NM_001145851.2 and 4 more transcripts); c.442A>T, p.Lys148Ter (NM_001145849.2, NM_001145850.2); short protein forms K139*, K148*.
Identifiers: ClinVar variation 1458550 (VCV001458550.8), dbSNP rs2149381577, ClinGen allele CA356427522.

ClinVar aggregate classification (germline): Pathogenic (1 of 4 stars; one submission).

Submission:

Labcorp Genetics (formerly Invitae), Labcorp
Classification: Pathogenic. Last evaluated: 2022-09-19. Review status: criteria provided, single submitter. Criteria: Invitae Variant Classification Sherloc (09022015). Collection method: clinical testing. Allele origin: germline.
Comment: ClinVar contains an entry for this variant (Variation ID: 1458550). This premature translational stop signal has been observed in individual(s) with retinitis pigmentosa (PMID: 24618324). This variant is not present in population databases (gnomAD no frequency). This sequence change creates a premature translational stop signal (p.Lys148*) in the PROM1 gene. It is expected to result in an absent or disrupted protein product. Loss-of-function variants in PROM1 are known to be pathogenic (PMID: 17605048, 19718270, 24154662, 25474345). Algorithms developed to predict the effect of sequence changes on RNA splicing suggest that this variant may disrupt the consensus splice site. For these reasons, this variant has been classified as Pathogenic.

Literature cited by the submitters: PubMed 24618324; PubMed 17605048; PubMed 19718270; PubMed 24154662; PubMed 25474345.